The following is an entry in ClinVar:

ClinVar aggregate classification (germline): Likely pathogenic (1 of 4 stars; one submission).

Conditions:
Joubert syndrome. Also called: Familial aplasia of the vermis; JOUBERT-BOLTSHAUSER SYNDROME; CEREBELLOPARENCHYMAL DISORDER IV. Identifiers: Orphanet 475, MedGen C5979921, MONDO:0018772.

Submission:

Natera, Inc.
Classification: Likely pathogenic for Joubert syndrome. Last evaluated: 2024-11-18. Review status: criteria provided, single submitter. Criteria: Natera Variant Classification Schema (03/2026). Collection method: clinical testing. Allele origin: germline.
Comment: The c.3561delC variant in RPGRIP1L is a frameshift variant predicted to shift the reading frame beginning at codon 1188 and leads to a stop codon 19 codons downstream. This variant is expected to result in nonsense mediated decay, truncation, or a dysfunctional protein product. This variant is rare in the general population with a frequency below the threshold expected for the associated phenotype(s). Given the available evidence, this variant is classified as Likely Pathogenic.

NM_015272.5(RPGRIP1L):c.3561del (p.Val1188fs)

Gene: RPGRIP1L (RPGRIP1 like; minus strand). Cytogenetic location: 16q12.2.
Variant type: Deletion.
Coding change: c.3561del on transcript NM_015272.5 (MANE Select); coding-DNA position 3561, one base deleted (C; older notation c.3561delC).
Protein change: p.Val1188fs; shifts the reading frame from valine 1188.
Molecular consequence: frameshift variant.
Genome position (GRCh38, 1-based): chr16:53,619,080, G deleted on the plus strand (C on the coding strand, the reverse complement: RPGRIP1L is on the minus strand); the first of 3 consecutive G bases (chr16:53,619,080-53,619,082); deleting any one gives the same sequence. VCF-style (leftmost placement, unchanged base first): chr16-53619079-CG-C. GRCh37 (hg19) VCF-style: chr16-53652991-CG-C.
Other names: c.3321del, p.Val1108fs (NM_001127897.4); c.3423del, p.Val1142fs (NM_001308334.3); c.3459del, p.Val1154fs (NM_001330538.2); short protein forms V1108fs, V1142fs, V1154fs, V1188fs.
Identifiers: ClinVar variation 4815844 (VCV004815844.1).